The following is an entry in ClinVar:

NM_032119.4(ADGRV1):c.3141A>G (p.Ala1047=)

Gene: ADGRV1 (adhesion G protein-coupled receptor V1; plus strand). Cytogenetic location: 5q14.3.
Variant type: single nucleotide variant.
Coding change: c.3141A>G on transcript NM_032119.4 (MANE Select); coding-DNA position 3141, A replaced by G.
Protein change: p.Ala1047=; no amino-acid change (alanine 1047 retained).
Molecular consequence: synonymous variant. On other transcripts: non-coding transcript variant (1).
Genome position (GRCh38, 1-based): chr5:90,647,616, A>G. VCF-style: chr5-90647616-A-G. GRCh37 (hg19) VCF-style: chr5-89943433-A-G.
Other names: p.A1047A:GCA>GCG; p.Ala1047=.
Identifiers: ClinVar variation 46310 (VCV000046310.29), dbSNP rs950692, ClinGen allele CA138094.

ClinVar aggregate classification (germline): Benign. Review status: criteria provided, multiple submitters, no conflicts (2 of 4 stars). 10 submissions from 10 submitters: Benign (7). 3 of the submissions do not count toward it. Last evaluated 2026-02-04.

Conditions:
Usher syndrome type 2C. Also called: Usher syndrome, type 2B; USHER SYNDROME, TYPE IIC. Identifiers: Orphanet 231178, Orphanet 886, MedGen C2931213, MONDO:0011558, OMIM 605472.

Allele frequency attached by ClinVar (database versions not stated): gnomAD exomes 0.13510 and 0.16516; ESP Exome Variant Server 0.14467; gnomAD 0.15398 and 0.15764; TOPMed 0.15847; ExAC 0.16556; 1000 Genomes Project 30x 0.21502; 1000 Genomes Project 0.22145.
gnomAD v4.1: 222,722 of 1,613,534 alleles (14%); highest among the groups gnomAD compares: East Asian, 34%; 17,163 homozygotes.

Submissions (10):

Labcorp Genetics (formerly Invitae), Labcorp
Classification: Benign. Last evaluated: 2026-02-04. Review status: criteria provided, single submitter. Criteria: Invitae Variant Classification Sherloc (09022015). Collection method: clinical testing. Allele origin: germline.

Genome-Nilou Lab
Classification: Benign for Usher syndrome type 2C. Last evaluated: 2021-08-10. Review status: criteria provided, single submitter. Criteria: ACMG Guidelines, 2015. Collection method: clinical testing. Allele origin: germline. Affected: no.

Mayo Clinic Laboratories, Mayo Clinic
Classification: Benign. Last evaluated: 2020-12-04. Review status: criteria provided, single submitter. Criteria: ACMG Guidelines, 2015. Collection method: clinical testing. Allele origin: germline. Observed: 41 variant alleles.

Illumina Laboratory Services, Illumina
Classification: Benign for Usher syndrome type 2C. Last evaluated: 2018-01-12. Review status: criteria provided, single submitter. Criteria: ICSL Variant Classification Criteria 13 December 2019. Collection method: clinical testing. Allele origin: germline.
Comment: This variant was observed in the ICSL laboratory as part of a predisposition screen in an ostensibly healthy population. It had not been previously curated by ICSL or reported in the Human Gene Mutation Database (HGMD: prior to June 1st, 2018), and was therefore a candidate for classification through an automated scoring system. Utilizing variant allele frequency, disease prevalence and penetrance estimates, and inheritance mode, an automated score was calculated to assess if this variant is too frequent to cause the disease. Based on the score and internal cut-off values, a variant classified as benign is not then subjected to further curation. The score for this variant resulted in a classification of benign for this disease.

GeneDx
Classification: Benign. Last evaluated: 2013-03-05. Review status: criteria provided, single submitter. Criteria: GeneDx Variant Classification (06012015). Collection method: clinical testing. Allele origin: germline. Affected: yes.
Comment: This variant is considered likely benign or benign based on one or more of the following criteria: it is a conservative change, it occurs at a poorly conserved position in the protein, it is predicted to be benign by multiple in silico algorithms, and/or has population frequency not consistent with disease.

Laboratory for Molecular Medicine, Mass General Brigham Personalized Medicine
Classification: Benign. Last evaluated: 2011-02-01. Review status: criteria provided, single submitter. Criteria: LMM Criteria. Collection method: clinical testing. Allele origin: germline. Observed: 500 variant alleles.
Comment: Ala1047Ala in exon 17 of GPR98: This variant is not expected to have clinical si gnificance because it does not alter an amino acid residue, is not located near a splice junction and is listed in dbSNP with an average heterozygous frequency of 33.3% (rs950692).

PreventionGenetics, part of Exact Sciences
Classification: Benign. Review status: criteria provided, single submitter. Criteria: ACMG Guidelines, 2015. Collection method: clinical testing. Allele origin: germline.

Diagnostic Laboratory, Department of Genetics, University Medical Center Groningen
Classification: Benign. Review status: no assertion criteria provided. Collection method: clinical testing. Allele origin: germline. Affected: yes. Study: VKGL Data-share Consensus. Not counted in ClinVar's aggregate classification.

Genetic Services Laboratory, University of Chicago
Classification: Likely benign. Review status: no assertion criteria provided. Collection method: clinical testing. Allele origin: germline. Inheritance: Autosomal dominant inheritance. Not counted in ClinVar's aggregate classification.
Comment: Likely benign based on allele frequency in 1000 Genomes Project or ESP global frequency and its presence in a patient with a rare or unrelated disease phenotype. NOT Sanger confirmed

Joint Genome Diagnostic Labs from Nijmegen and Maastricht, Radboudumc and MUMC+
Classification: Benign. Review status: no assertion criteria provided. Collection method: clinical testing. Allele origin: germline. Affected: yes. Study: VKGL Data-share Consensus. Not counted in ClinVar's aggregate classification.